The following is an entry in ClinVar:

NM_058216.3(RAD51C):c.724G>A (p.Asp242Asn)

Gene: RAD51C (RAD51 paralog C; plus strand). Cytogenetic location: 17q22.
Variant type: single nucleotide variant.
Coding change: c.724G>A on transcript NM_058216.3 (MANE Select); coding-DNA position 724, G replaced by A.
Protein change: p.Asp242Asn; replaces aspartic acid 242 with asparagine.
Molecular consequence: missense variant. On other transcripts: non-coding transcript variant (1).
Genome position (GRCh38, 1-based): chr17:58,709,877, G>A. VCF-style: chr17-58709877-G-A. GRCh37 (hg19) VCF-style: chr17-56787238-G-A.
Other names: short protein forms D242N.
Identifiers: ClinVar variation 231486 (VCV000231486.21), dbSNP rs876659188, ClinGen allele CA10580749.

ClinVar aggregate classification (germline): Conflicting classifications of pathogenicity. Review status: criteria provided, conflicting classifications (1 of 4 stars). 8 submissions from 7 submitters: Likely pathogenic (2); Uncertain significance (4). 2 of the submissions do not count toward it. Last evaluated 2025-08-12.

Conditions:
Hereditary cancer-predisposing syndrome. Also called: Hereditary Cancer Syndrome; Neoplastic Syndromes, Hereditary; Tumor predisposition; Hereditary neoplastic syndrome. Identifiers: Orphanet 140162, MedGen C0027672, MeSH D009386, MONDO:0015356.
Fanconi anemia complementation group O. Also called: RAD51C-Related Fanconi Anemia. Identifiers: Orphanet 84, MedGen C3150653, MONDO:0013248, OMIM 613390.
Hereditary breast ovarian cancer syndrome. Also called: Hereditary breast and/or ovarian cancer syndrome; BRCA1- and BRCA2-Associated Hereditary Breast and Ovarian Cancer; Hereditary breast and ovarian cancer syndrome (HBOC); Hereditary breast and ovarian cancer; Hereditary breast and ovarian cancer syndrome; Breast and ovarian cancer. Identifiers: Orphanet 145, MedGen C0677776, MeSH D061325, MONDO:0003582. Disease mechanism: loss of function.
Breast-ovarian cancer, familial, susceptibility to, 3. Also called: RAD51C-Related Breast/Ovarian Cancer. Identifiers: Orphanet 145, MedGen C3150659, MONDO:0013253, OMIM 613399.

Allele frequency attached by ClinVar (database versions not stated): gnomAD exomes below 0.00001.
gnomAD v4.1: 1 of 1,608,794 alleles (0.000062%); highest among the groups gnomAD compares: Non-Finnish European, 0.000085%; no homozygotes.

Submissions (8):

German Consortium for Hereditary Breast and Ovarian Cancer, University Hospital Cologne
Classification: Likely pathogenic for Hereditary breast ovarian cancer syndrome. Last evaluated: 2025-08-12. Review status: criteria provided, single submitter. Criteria: ACMG Guidelines, 2015. Collection method: curation. Allele origin: germline.
Comment: This classification follows the ACMG SVI adaptation classification scheme; We chose these criteria: PS3 (strong pathogenic): Olvera-León et al., 2024: Saturation genome editing; RAD51C Walker B motif “LVIVD.” The highly conserved D242 residue, which interacts with ATP-Mg2+, is intolerant to all substitutions. Hu et al., 2023: deleterious variants located in the Walker B motif at residues 237 and 242, which is also predicted to contribute to ATP binding / deleterious in the HDR assay and had increased sensitivity to cisplatin and olaparib, a PARP inhibitor, PM2 (supporting pathogenic): absent from controls (gnomAD v2+v3) / extremely rare in gnomAD v4: 1/1175334 alleles, PP3 (medium pathogenic): REVEL = 0.808 (as per Pejaver (2022, PMID: 36413997))

Labcorp Genetics (formerly Invitae), Labcorp
Classification: Uncertain significance for Fanconi anemia complementation group O. Last evaluated: 2024-11-05. Review status: criteria provided, single submitter. Criteria: Invitae Variant Classification Sherloc (09022015). Collection method: clinical testing. Allele origin: germline.
Comment: This sequence change replaces aspartic acid, which is acidic and polar, with asparagine, which is neutral and polar, at codon 242 of the RAD51C protein (p.Asp242Asn). This variant is not present in population databases (gnomAD no frequency). This missense change has been observed in individual(s) with a personal and/or family history of hereditary breast and/or ovarian cancer (PMID: 23704328). ClinVar contains an entry for this variant (Variation ID: 231486). Invitae Evidence Modeling of protein sequence and biophysical properties (such as structural, functional, and spatial information, amino acid conservation, physicochemical variation, residue mobility, and thermodynamic stability) indicates that this missense variant is expected to disrupt RAD51C protein function with a positive predictive value of 80%. Experimental studies have shown that this missense change affects RAD51C function (PMID: 37253112). In summary, the available evidence is currently insufficient to determine the role of this variant in disease. Therefore, it has been classified as a Variant of Uncertain Significance.

Ambry Genetics
Classification: Uncertain significance for Hereditary cancer-predisposing syndrome. Last evaluated: 2024-03-26. Review status: criteria provided, single submitter. Criteria: Ambry Variant Classification Scheme 2023. Collection method: clinical testing. Allele origin: germline.
Comment: The p.D242N variant (also known as c.724G>A), located in coding exon 5 of the RAD51C gene, results from a G to A substitution at nucleotide position 724. The aspartic acid at codon 242 is replaced by asparagine, an amino acid with highly similar properties. This alteration was reported as a variant of unknown significance in one patient in a cohort of 937 Chinese breast cancer patients who underwent multi-gene panel testing (Li JY et al. Int. J. Cancer 2019 01;144(2):281-289). In multiple assays testing RAD51C function, this alteration showed an abnormal read-out (Hu C. et al. Cancer Res 2023 Aug;83(15):2557-2571). This amino acid position is highly conserved in available vertebrate species. In addition, the in silico prediction for this alteration is inconclusive. Since supporting evidence is limited at this time, the clinical significance of this variant remains unclear.

Myriad Genetics, Inc.
Classification: Likely pathogenic for Breast-ovarian cancer, familial, susceptibility to, 3. Last evaluated: 2024-02-09. Review status: criteria provided, single submitter. Criteria: Myriad Autosomal Dominant, Autosomal Recessive and X-Linked Classification Criteria (2023). Collection method: clinical testing. Allele origin: unknown.
Comment: This variant is considered likely pathogenic. Functional studies indicate this variant impacts protein function [PMID: 37253112]. This variant is expected to disrupt protein structure [Myriad internal data].

Baylor Genetics
Classification: Uncertain significance for Breast-ovarian cancer, familial, susceptibility to, 3. Last evaluated: 2023-09-20. Review status: criteria provided, single submitter. Criteria: ACMG Guidelines, 2015. Collection method: clinical testing. Allele origin: unknown.

Mendelics
Classification: Uncertain significance for Hereditary breast and ovarian cancer syndrome. Last evaluated: 2018-07-02. Review status: criteria provided, single submitter. Criteria: Mendelics Assertion Criteria 2017. Collection method: clinical testing. Allele origin: unknown.

Counsyl
Classification: Uncertain significance for Fanconi anemia complementation group O. Last evaluated: 2016-11-01. Review status: no assertion criteria provided. Collection method: clinical testing. Allele origin: unknown. Not counted in ClinVar's aggregate classification.

Counsyl
Classification: Uncertain significance for Breast-ovarian cancer, familial, susceptibility to, 3. Last evaluated: 2016-11-01. Review status: no assertion criteria provided. Collection method: clinical testing. Allele origin: unknown. Not counted in ClinVar's aggregate classification.

Literature cited by the submitters: PubMed 23704328 (cited by Labcorp Genetics (formerly Invitae), Labcorp); PubMed 37253112 (cited by Labcorp Genetics (formerly Invitae), Labcorp and Myriad Genetics, Inc.); PubMed 29752822 (cited by Ambry Genetics).